The following is an entry in ClinVar:

NM_015570.4(AUTS2):c.3434G>A (p.Arg1145Gln)

Gene: AUTS2 (activator of transcription and developmental regulator AUTS2; plus strand). Cytogenetic location: 7q11.22.
Variant type: single nucleotide variant.
Coding change: c.3434G>A on transcript NM_015570.4 (MANE Select); coding-DNA position 3434, G replaced by A.
Protein change: p.Arg1145Gln; replaces arginine 1145 with glutamine.
Molecular consequence: missense variant.
Genome position (GRCh38, 1-based): chr7:70,790,650, G>A. VCF-style: chr7-70790650-G-A. GRCh37 (hg19) VCF-style: chr7-70255636-G-A.
Other names: c.3362G>A, p.Arg1121Gln (NM_001127231.3); c.3434G>A (NM_015570.3); short protein forms R1145Q, R1121Q.
Identifiers: ClinVar variation 2075004 (VCV002075004.7), dbSNP rs371317370, ClinGen allele CA4281339.

ClinVar aggregate classification (germline): Benign/Likely benign. Review status: criteria provided, multiple submitters, no conflicts (2 of 4 stars). 3 submissions from 3 submitters: Benign (1); Likely benign (1). 1 of the submissions does not count toward it. Last evaluated 2025-10-27.

Conditions:
AUTS2-related disorder. Also called: AUTS2-related condition.
Inborn genetic diseases. Identifiers: MedGen C0950123, MeSH D030342.

Allele frequency attached by ClinVar (database versions not stated): ESP Exome Variant Server 0.00031; TOPMed 0.00019; gnomAD 0.00023.
gnomAD v4.1: 120 of 1,612,900 alleles (0.0074%); highest among the groups gnomAD compares: African/African-American, 0.044%; no homozygotes.

Submissions (3):

Labcorp Genetics (formerly Invitae), Labcorp
Classification: Benign. Last evaluated: 2025-10-27. Review status: criteria provided, single submitter. Criteria: Invitae Variant Classification Sherloc (09022015). Collection method: clinical testing. Allele origin: germline.

Ambry Genetics
Classification: Likely benign for Inborn genetic diseases. Last evaluated: 2021-12-14. Review status: criteria provided, single submitter. Criteria: Ambry Variant Classification Scheme 2023. Collection method: clinical testing. Allele origin: germline.

PreventionGenetics, part of Exact Sciences
Classification: Likely benign for AUTS2-related condition. Last evaluated: 2023-02-26. Review status: no assertion criteria provided. Collection method: clinical testing. Allele origin: germline. Not counted in ClinVar's aggregate classification.
Comment: This variant is classified as likely benign based on ACMG/AMP sequence variant interpretation guidelines (Richards et al. 2015 PMID: 25741868, with internal and published modifications).